The following is an entry in ClinVar:

ClinVar aggregate classification (germline): Pathogenic (0 of 4 stars; one submission).

Conditions:
Fanconi anemia complementation group I (FANCI). Also called: FANCI-Related Fanconi Anemia. Identifiers: Orphanet 84, MedGen C1836861, MONDO:0012186, OMIM 609053.

Submission:

Leiden Open Variation Database
Classification: Pathogenic for Fanconi anemia complementation group I. Last evaluated: 2011-02-07. Review status: no assertion criteria provided. Collection method: curation. Allele origin: germline. Affected: yes.
Comment: Curator: Arleen D. Auerbach. Submitter to LOVD: Arleen D. Auerbach.

Literature cited by the submitters: PubMed 17452773; PubMed 17460694.

NM_001113378.2(FANCI):c.2572C>T (p.His858Tyr)

Gene: FANCI (FA complementation group I; plus strand). Cytogenetic location: 15q26.1.
Variant type: single nucleotide variant.
Coding change: c.2572C>T on transcript NM_001113378.2 (MANE Select); coding-DNA position 2572, C replaced by T.
Protein change: p.His858Tyr; replaces histidine 858 with tyrosine.
Molecular consequence: missense variant. On other transcripts: intron variant (1).
Genome position (GRCh38, 1-based): chr15:89,295,030, C>T. VCF-style: chr15-89295030-C-T. GRCh37 (hg19) VCF-style: chr15-89838261-C-T.
Other names: c.2293C>T, p.His765Tyr (NM_001376910.1); c.2572C>T, p.His858Tyr (NM_001376911.1); c.2456+1033C>T (NM_018193.3); short protein forms H765Y, H858Y.
Identifiers: ClinVar variation 929728 (VCV000929728.1), dbSNP rs1361710673, ClinGen allele CA393750964.